The following is an entry in ClinVar:

NM_001127222.2(CACNA1A):c.2920_2980del (p.Glu974fs)

Gene: CACNA1A (calcium voltage-gated channel subunit alpha1 A; minus strand). Cytogenetic location: 19p13.13.
Variant type: Deletion.
Coding change: c.2920_2980del on transcript NM_001127222.2 (MANE Select); coding-DNA positions 2920 to 2980, 61 bases deleted.
Protein change: p.Glu974fs; shifts the reading frame from glutamic acid 974.
Molecular consequence: frameshift variant.
Genome position (GRCh38, 1-based): chr19:13,298,653-13,298,713, 61 bases deleted. GRCh37 (hg19): chr19:13,409,471-13,409,531.
Other names: c.2932_2992del, p.Glu978fs (NM_000068.4, NM_023035.3); c.2923_2983del, p.Glu975fs (NM_001127221.2, NM_001174080.2); short protein forms E974fs, E975fs, E978fs.
Identifiers: ClinVar variation 3345240 (VCV003345240.1).

ClinVar aggregate classification (germline): Likely pathogenic (0 of 4 stars; one submission).

Conditions:
CACNA1A-related disorder. Also called: CACNA1A-related condition.

Submission:

PreventionGenetics, part of Exact Sciences
Classification: Likely pathogenic for CACNA1A-related condition. Last evaluated: 2024-06-10. Review status: no assertion criteria provided. Collection method: clinical testing. Allele origin: germline.
Comment: The CACNA1A c.2920_2980del61 variant is predicted to result in a frameshift and premature protein termination (p.Glu974Argfs*75). To our knowledge, this variant has not been reported in the literature or in a large population database, indicating this variant is rare. Frameshift variants in CACNA1A are expected to be pathogenic. This variant is interpreted as likely pathogenic.